The following is an entry in ClinVar:

NM_001267550.2(TTN):c.50095del (p.Gln16699fs)

Genes: TTN (titin; minus strand), TTN-AS1 (TTN antisense RNA 1; plus strand). Cytogenetic location: 2q31.2.
Variant type: Deletion.
Coding change: c.50095del on transcript NM_001267550.2 (MANE Select); coding-DNA position 50095, one base deleted (C; older notation c.50095delC).
Protein change: p.Gln16699fs; shifts the reading frame from glutamine 16699.
Molecular consequence: frameshift variant.
Genome position (GRCh38, 1-based): chr2:178,612,430, G deleted on the plus strand (C on the coding strand, the reverse complement: TTN is on the minus strand). VCF-style (leftmost placement, unchanged base first): chr2-178612429-TG-T. GRCh37 (hg19) VCF-style: chr2-179477156-TG-T.
Other names: c.22900delC (NM_003319.4); c.45172del, p.Gln15058fs (NM_001256850.1); c.22900del, p.Gln7634fs (NM_003319.4); c.42391del, p.Gln14131fs (NM_133378.4); c.23275del, p.Gln7759fs (NM_133432.3); c.23476del, p.Gln7826fs (NM_133437.4); short protein forms Q14131fs, Q15058fs, Q16699fs, Q7634fs, Q7759fs, Q7826fs.
Identifiers: ClinVar variation 4866222 (VCV004866222.1).

ClinVar aggregate classification (germline): Likely pathogenic (1 of 4 stars; one submission).

Conditions:
Cardiovascular phenotype. Identifiers: MedGen CN230736.

Submission:

Ambry Genetics
Classification: Likely pathogenic for Cardiovascular phenotype. Last evaluated: 2026-05-05. Review status: criteria provided, single submitter. Criteria: Ambry Variant Classification Scheme 2023. Collection method: clinical testing. Allele origin: germline.
Comment: The c.22900delC variant, located in coding exon 93 of the TTN gene, results from a deletion of one nucleotide at nucleotide position 22900, causing a translational frameshift with a predicted alternate stop codon (p.Q7634Kfs*17). This exon is located in the A-band region of the N2-B isoform of the titin protein and is constitutively expressed in TTN transcripts (percent spliced in or PSI 100%). This variant is considered to be rare based on population cohorts in the Genome Aggregation Database (gnomAD). This variant is expected to result in loss of function by premature protein truncation or nonsense-mediated mRNA decay. While truncating variants in TTN are present in 1-3% of the general population, truncating variants in the A-band are the most common cause of dilated cardiomyopathy (Herman DS et al. N. Engl. J. Med., 2012 Feb;366:619-28; Roberts AM et al. Sci Transl Med, 2015 Jan;7:270ra6). TTN truncating variants encoded in constitutive exons (PSI >90%) have been found to be significantly associated with DCM regardless of their position in titin (Schafer S et al. Nat. Genet., 2017 01;49:46-53; Akhtar MM et al. Circ Heart Fail, 2020 Oct;13:e006832; Massier M et al. Clin Genet, 2025 Jan). Based on the majority of available evidence to date, this variant is likely to be pathogenic.